The following is an entry in ClinVar:

NM_000187.4(HGD):c.894del (p.Phe298fs)

Gene: HGD (homogentisate 1,2-dioxygenase; minus strand). Cytogenetic location: 3q13.33.
Variant type: Deletion.
Coding change: c.894del on transcript NM_000187.4 (MANE Select); coding-DNA position 894, one base deleted (C; older notation c.894delC).
Protein change: p.Phe298fs; shifts the reading frame from phenylalanine 298.
Molecular consequence: frameshift variant.
Genome position (GRCh38, 1-based): chr3:120,638,567, G deleted on the plus strand (C on the coding strand, the reverse complement: HGD is on the minus strand). VCF-style (leftmost placement, unchanged base first): chr3-120638566-TG-T. GRCh37 (hg19) VCF-style: chr3-120357413-TG-T.
Other names: short protein forms F298fs.
Identifiers: ClinVar variation 5015523 (VCV005015523.1).

ClinVar aggregate classification (germline): Pathogenic (1 of 4 stars; one submission).

Conditions:
Alkaptonuria (AKU). Also called: HOMOGENTISIC ACID OXIDASE DEFICIENCY; Alcaptonuria; Homogentisic acidura; Alkaptonuric ochronosis. Identifiers: Orphanet 56, MedGen C0002066, MONDO:0008753, OMIM 203500.

Submission:

Myriad Genetics, Inc.
Classification: Pathogenic for Alkaptonuria. Last evaluated: 2026-02-07. Review status: criteria provided, single submitter. Criteria: Myriad Autosomal Dominant, Autosomal Recessive and X-Linked Classification Criteria (2023). Collection method: clinical testing. Allele origin: unknown.
Comment: NM_000187.3(HGD):c.894delC(F298Lfs*4) is expected to be pathogenic in the context of alkaptonuria. This variant is predicted to lead to an abnormal or absent protein product due to the creation of a premature termination codon in HGD, a gene where loss-of-function variants are known to be pathogenic. Please note: this variant was assessed in the context of healthy population screening.